The following is an entry in ClinVar:

NM_001355436.2(SPTB):c.1809T>A (p.Cys603Ter)

Gene: SPTB (spectrin beta, erythrocytic; minus strand). Cytogenetic location: 14q23.3.
Variant type: single nucleotide variant.
Coding change: c.1809T>A on transcript NM_001355436.2 (MANE Select); coding-DNA position 1809, T replaced by A.
Protein change: p.Cys603Ter; replaces cysteine 603 with a stop codon.
Molecular consequence: nonsense.
Genome position (GRCh38, 1-based): chr14:64,793,854, A>T on the plus strand (T>A on the coding strand, the complement: SPTB is on the minus strand). VCF-style: chr14-64793854-A-T. GRCh37 (hg19) VCF-style: chr14-65260572-A-T.
Other names: c.1809T>A, p.Cys603Ter (NM_001024858.4, NM_001355437.2); short protein forms C603*.
Identifiers: ClinVar variation 3647893 (VCV003647893.2).
Genomic context (GRCh38, chr14:64,793,854, plus strand): 5'-GCTCAGCTCCTCAAAGCACTGCTCCAAGTGGCTGATGCGGTCCTGGATGACCTGGGGGTC[A>T]CAAGGCTGGTACCCTGGAAGAAATAGGGGGAAGGAGGACAAAGTGGGGGATGGGCTTCAT-3'

ClinVar aggregate classification (germline): Pathogenic (1 of 4 stars; one submission).

Submission:

Labcorp Genetics (formerly Invitae), Labcorp
Classification: Pathogenic. Last evaluated: 2024-03-27. Review status: criteria provided, single submitter. Criteria: Invitae Variant Classification Sherloc (09022015). Collection method: clinical testing. Allele origin: germline.
Comment: This sequence change creates a premature translational stop signal (p.Cys603*) in the SPTB gene. It is expected to result in an absent or disrupted protein product. Loss-of-function variants in SPTB are known to be pathogenic (PMID: 1391962, 1498324, 8844207, 26830532, 27292444). This variant is not present in population databases (gnomAD no frequency). This variant has not been reported in the literature in individuals affected with SPTB-related conditions. For these reasons, this variant has been classified as Pathogenic.

Literature cited by the submitters: PubMed 1391962; PubMed 1498324; PubMed 8844207; PubMed 26830532; PubMed 27292444.